The following is an entry in ClinVar:

ClinVar aggregate classification (germline): Uncertain significance (1 of 4 stars; one submission).

Conditions:
Myopathy, distal, 6, adult-onset, autosomal dominant. Identifiers: MedGen C5203349, MONDO:0032853, OMIM 618655.

gnomAD v4.1: 1 of 1,614,206 alleles (0.000062%); highest among the groups gnomAD compares: Non-Finnish European, 0.000085%; no homozygotes.

Submission:

Human Genetics Bochum, Ruhr University Bochum
Classification: Uncertain significance for Myopathy, distal, 6, adult-onset, autosomal dominant. Last evaluated: 2022-09-27. Review status: criteria provided, single submitter. Criteria: ACMG Guidelines, 2015. Collection method: clinical testing. Allele origin: germline. Affected: yes.
Comment: ACMG criteria used to clasify this variant: PM2

NM_001103.4(ACTN2):c.2104A>C (p.Ile702Leu)

Gene: ACTN2 (actinin alpha 2; plus strand). Cytogenetic location: 1q43.
Variant type: single nucleotide variant.
Coding change: c.2104A>C on transcript NM_001103.4 (MANE Select); coding-DNA position 2104, A replaced by C.
Protein change: p.Ile702Leu; replaces isoleucine 702 with leucine.
Molecular consequence: missense variant.
Genome position (GRCh38, 1-based): chr1:236,755,148, A>C. VCF-style: chr1-236755148-A-C. GRCh37 (hg19) VCF-style: chr1-236918448-A-C.
Other names: c.2104A>C, p.Ile702Leu (NM_001278343.2); c.1480A>C, p.Ile494Leu (NM_001278344.2); c.1354A>C, p.Ile452Leu (NM_001412150.1); short protein forms I452L, I494L, I702L.
Identifiers: ClinVar variation 1801692 (VCV001801692.1), dbSNP rs771101849, ClinGen allele CA345387674.
Genomic context (GRCh38, chr1:236,755,148, plus strand): 5'-GAGCACAACATCATCAACTATAAGAACAACATCGACAAGCTGGAGGGAGACCATCAGCTC[A>C]TCCAGGAGGCCCTTGTCTTTGACAACAAGCACACGAACTACACGATGGAGGTACGGCAGC-3'
Protein context (NP_001094.1, residues 692-712): IDKLEGDHQL[Ile702Leu]QEALVFDNKH